The following is an entry in ClinVar:

NM_001079872.2(CUL4B):c.387A>T (p.Pro129=)

Genes: CUL4B (cullin 4B; minus strand), LOC113845788 (Sharpr-MPRA regulatory region 11856; plus strand). Cytogenetic location: Xq24.
Variant type: single nucleotide variant.
Coding change: c.387A>T on transcript NM_001079872.2 (MANE Select); coding-DNA position 387, A replaced by T.
Protein change: p.Pro129=; no amino-acid change (proline 129 retained).
Molecular consequence: synonymous variant.
Genome position (GRCh38, 1-based): chrX:120,560,252, T>A on the plus strand (A>T on the coding strand, the complement: CUL4B is on the minus strand). VCF-style: chrX-120560252-T-A. GRCh37 (hg19) VCF-style: chrX-119694107-T-A.
Other names: c.402A>T, p.Pro134= (NM_001330624.2); c.441A>T, p.Pro147= (NM_003588.4).
Identifiers: ClinVar variation 4989815 (VCV004989815.1).

ClinVar aggregate classification (germline): Likely benign (1 of 4 stars; one submission).

Conditions:
CUL4B-related disorder. Also called: CUL4B-related condition.

gnomAD v4.1: 3 of 1,211,806 alleles (0.00025%); highest among the groups gnomAD compares: South Asian, 0.0035%; no homozygotes.

Submission:

PreventionGenetics, part of Exact Sciences
Classification: Likely benign for CUL4B-related condition. Last evaluated: 2026-01-22. Review status: criteria provided, single submitter. Criteria: ACMG Guidelines, 2015. Collection method: clinical testing. Allele origin: germline.
Comment: This variant is classified as likely benign based on ACMG/AMP sequence variant interpretation guidelines (Richards et al. 2015 PMID: 25741868, with internal and published modifications).